The following is an entry in ClinVar:

ClinVar aggregate classification (germline): Uncertain significance (1 of 4 stars; one submission).

Submission:

Labcorp Genetics (formerly Invitae), Labcorp
Classification: Uncertain significance. Last evaluated: 2021-07-20. Review status: criteria provided, single submitter. Criteria: Invitae Variant Classification Sherloc (09022015). Collection method: clinical testing. Allele origin: germline.
Comment: In summary, the available evidence is currently insufficient to determine the role of this variant in disease. Therefore, it has been classified as a Variant of Uncertain Significance. Algorithms developed to predict the effect of missense changes on protein structure and function output the following: SIFT: "Not Available"; PolyPhen-2: "Benign"; Align-GVGD: "Not Available". The glutamic acid amino acid residue is found in multiple mammalian species, suggesting that this missense change does not adversely affect protein function. These predictions have not been confirmed by published functional studies and their clinical significance is uncertain. This variant has not been reported in the literature in individuals with CDH3-related conditions. This variant is not present in population databases (ExAC no frequency). This sequence change replaces glycine with glutamic acid at codon 374 of the CDH3 protein (p.Gly374Glu). The glycine residue is highly conserved and there is a moderate physicochemical difference between glycine and glutamic acid.

NM_001793.6(CDH3):c.1121G>A (p.Gly374Glu)

Gene: CDH3 (cadherin 3; plus strand). Cytogenetic location: 16q22.1.
Variant type: single nucleotide variant.
Coding change: c.1121G>A on transcript NM_001793.6 (MANE Select); coding-DNA position 1121, G replaced by A.
Protein change: p.Gly374Glu; replaces glycine 374 with glutamic acid.
Molecular consequence: missense variant.
Genome position (GRCh38, 1-based): chr16:68,682,426, G>A. VCF-style: chr16-68682426-G-A. GRCh37 (hg19) VCF-style: chr16-68716329-G-A.
Other names: c.1121G>A, p.Gly374Glu (NM_001317195.3); c.956G>A, p.Gly319Glu (NM_001317196.2); short protein forms G374E, G319E.
Identifiers: ClinVar variation 1036738 (VCV001036738.7), dbSNP rs199986517, ClinGen allele CA396453259.